The following is an entry in ClinVar:

ClinVar aggregate classification (germline): Uncertain significance (1 of 4 stars; one submission).

Conditions:
Inborn genetic diseases. Identifiers: MedGen C0950123, MeSH D030342.

Submission:

Ambry Genetics
Classification: Uncertain significance for Inborn genetic diseases. Last evaluated: 2021-10-29. Review status: criteria provided, single submitter. Criteria: Ambry Variant Classification Scheme 2023. Collection method: clinical testing. Allele origin: germline.
Comment: The p.A194S variant (also known as c.580G>T), located in coding exon 3 of the ACD gene, results from a G to T substitution at nucleotide position 580. The alanine at codon 194 is replaced by serine, an amino acid with similar properties. This amino acid position is conserved. In addition, this alteration is predicted to be tolerated by in silico analysis. Since supporting evidence is limited at this time, the clinical significance of this alteration remains unclear.

NM_001082486.2(ACD):c.322G>T (p.Ala108Ser)

Gene: ACD (ACD shelterin complex subunit and telomerase recruitment factor; minus strand). Cytogenetic location: 16q22.1.
Variant type: single nucleotide variant.
Coding change: c.322G>T on transcript NM_001082486.2 (MANE Select); coding-DNA position 322, G replaced by T.
Protein change: p.Ala108Ser; replaces alanine 108 with serine.
Molecular consequence: missense variant.
Genome position (GRCh38, 1-based): chr16:67,659,716, C>A on the plus strand (G>T on the coding strand, the complement: ACD is on the minus strand). VCF-style: chr16-67659716-C-A. GRCh37 (hg19) VCF-style: chr16-67693619-C-A.
Other names: c.322G>T, p.Ala108Ser (NM_001410884.1); c.313G>T, p.Ala105Ser (NM_022914.3); short protein forms A105S, A108S.
Identifiers: ClinVar variation 1749841 (VCV001749841.2), dbSNP rs2543608914, ClinGen allele CA396355806.